The following is an entry in ClinVar:

NM_001144967.3(NEDD4L):c.847G>A (p.Ala283Thr)

Gene: NEDD4L (NEDD4 like E3 ubiquitin protein ligase; plus strand). Cytogenetic location: 18q21.31.
Variant type: single nucleotide variant.
Coding change: c.847G>A on transcript NM_001144967.3 (MANE Select); coding-DNA position 847, G replaced by A.
Protein change: p.Ala283Thr; replaces alanine 283 with threonine.
Molecular consequence: missense variant.
Genome position (GRCh38, 1-based): chr18:58,330,771, G>A. VCF-style: chr18-58330771-G-A. GRCh37 (hg19) VCF-style: chr18-55998003-G-A.
Other names: c.847G>A (NM_015277.5); c.484G>A, p.Ala162Thr (NM_001144964.1, NM_001144965.2, NM_001144966.3 and 2 more transcripts); c.823G>A, p.Ala275Thr (NM_001144968.2, NM_001144969.2); c.847G>A, p.Ala283Thr (NM_001243960.2, NM_015277.6); short protein forms A162T, A275T, A283T.
Identifiers: ClinVar variation 1652427 (VCV001652427.13), dbSNP rs1408580789, ClinGen allele CA402555445.
Genomic context (GRCh38, chr18:58,330,771, plus strand): 5'-TTACCCCAGTGTCTCCTTCTCTGAAAGCCTTGGGAGACCATTTCAGAGGAAGTGAATATC[G>A]CTGGAGACTCTCTCGGTCTGGCTCTGCCCCCACCACCGGCCTCCCCAGGATCTCGGACCA-3'
Protein context (NP_001138439.1, residues 273-293): WETISEEVNI[Ala283Thr]GDSLGLALPP

ClinVar aggregate classification (germline): Benign/Likely benign. Review status: criteria provided, multiple submitters, no conflicts (2 of 4 stars). 3 submissions from 3 submitters: Benign (1); Likely benign (2). Last evaluated 2025-12-01.

Conditions:
Inborn genetic diseases. Identifiers: MedGen C0950123, MeSH D030342.

Allele frequency attached by ClinVar (database versions not stated): gnomAD 0.00001.
gnomAD v4.1: 29 of 1,610,564 alleles (0.0018%); highest among the groups gnomAD compares: African/African-American, 0.0027%; no homozygotes.

Submissions (3):

CeGaT Center for Human Genetics Tuebingen
Classification: Likely benign. Last evaluated: 2025-12-01. Review status: criteria provided, single submitter. Criteria: CeGaT Center For Human Genetics Tuebingen Variant Classification Criteria Version 2. Collection method: clinical testing. Allele origin: germline. Affected: yes. Observed: 1 variant allele.
Comment: NEDD4L: BP4

Labcorp Genetics (formerly Invitae), Labcorp
Classification: Benign. Last evaluated: 2025-09-24. Review status: criteria provided, single submitter. Criteria: Invitae Variant Classification Sherloc (09022015). Collection method: clinical testing. Allele origin: germline.

Ambry Genetics
Classification: Likely benign for Inborn genetic diseases. Last evaluated: 2023-12-11. Review status: criteria provided, single submitter. Criteria: Ambry Variant Classification Scheme 2023. Collection method: clinical testing. Allele origin: germline.